The following is an entry in ClinVar:

NM_003073.5(SMARCB1):c.10_11delinsGC (p.Met4Ala)

Gene: SMARCB1 (SWI/SNF related BAF chromatin remodeling complex subunit B1; plus strand). Cytogenetic location: 22q11.23.
Variant type: Indel.
Coding change: c.10_11delinsGC on transcript NM_003073.5 (MANE Select); coding-DNA positions 10 to 11, AT replaced by GC.
Protein change: p.Met4Ala; replaces methionine 4 with alanine.
Molecular consequence: missense variant.
Genome position (GRCh38, 1-based): chr22:23,787,179-23,787,180, AT replaced by GC. VCF-style: chr22-23787179-AT-GC. GRCh37 (hg19) VCF-style: chr22-24129366-AT-GC.
Other names: c.10_11delinsGC, p.Met4Ala (NM_001007468.3, NM_001317946.2, NM_001362877.2); short protein forms M4A.
Identifiers: ClinVar variation 3798956 (VCV003798956.1).

ClinVar aggregate classification (germline): Uncertain significance (1 of 4 stars; one submission).

Conditions:
Hereditary cancer-predisposing syndrome. Also called: Neoplastic Syndromes, Hereditary; Hereditary Cancer Syndrome; Tumor predisposition; Hereditary neoplastic syndrome. Identifiers: Orphanet 140162, MedGen C0027672, MeSH D009386, MONDO:0015356.

Submission:

Ambry Genetics
Classification: Uncertain significance for Hereditary cancer-predisposing syndrome. Last evaluated: 2025-02-07. Review status: criteria provided, single submitter. Criteria: Ambry Variant Classification Scheme 2023. Collection method: clinical testing. Allele origin: germline.
Comment: The c.10_11delATinsGC variant (also known as p.M4A), located in coding exon 1 of the SMARCB1 gene, results from an in-frame deletion of AT and insertion of GC at nucleotide positions 10 to 11. This results in the substitution of the methionine residue for an alanine residue at codon 4, an amino acid with similar properties. This amino acid position is highly conserved in available vertebrate species. In addition, this alteration is predicted to be neutral by in silico analysis (Choi Y et al. PLoS ONE. 2012; 7(10):e46688). Based on the available evidence, the clinical significance of this variant remains unclear.